The following is an entry in ClinVar:

NM_001267550.2(TTN):c.48585T>A (p.Cys16195Ter)

Genes: TTN-AS1 (TTN antisense RNA 1; plus strand), TTN (titin; minus strand). Cytogenetic location: 2q31.2.
Variant type: single nucleotide variant.
Coding change: c.48585T>A on transcript NM_001267550.2 (MANE Select); coding-DNA position 48585, T replaced by A.
Protein change: p.Cys16195Ter; replaces cysteine 16195 with a stop codon.
Molecular consequence: nonsense. On other transcripts: non-coding transcript variant (1).
Genome position (GRCh38, 1-based): chr2:178,615,360, A>T on the plus strand (T>A on the coding strand, the complement: TTN is on the minus strand). VCF-style: chr2-178615360-A-T. GRCh37 (hg19) VCF-style: chr2-179480087-A-T.
Other names: c.43662T>A, p.Cys14554Ter (NM_001256850.1); c.21390T>A, p.Cys7130Ter (NM_003319.4); c.40881T>A, p.Cys13627Ter (NM_133378.4); c.21765T>A, p.Cys7255Ter (NM_133432.3); c.21966T>A, p.Cys7322Ter (NM_133437.4); short protein forms C16195*, C7255*, C13627*, C14554*, C7322*, C7130*.
Identifiers: ClinVar variation 4783925 (VCV004783925.1).

ClinVar aggregate classification (germline): Likely pathogenic (1 of 4 stars; one submission).

Conditions:
Dilated cardiomyopathy 1G (CMD1G). Identifiers: Orphanet 154, MedGen C1858763, MONDO:0011400, OMIM 604145.
Autosomal recessive limb-girdle muscular dystrophy type 2J (LGMDR10). Also called: Limb-girdle muscular dystrophy, type 2J; MUSCULAR DYSTROPHY, LIMB-GIRDLE, AUTOSOMAL RECESSIVE 10. Identifiers: Orphanet 140922, MedGen C1837342, MONDO:0012127, OMIM 608807.

gnomAD v4.1: 2 of 1,612,508 alleles (0.00012%); highest among the groups gnomAD compares: Non-Finnish European, 0.00017%; no homozygotes.

Submission:

Labcorp Genetics (formerly Invitae), Labcorp
Classification: Likely pathogenic for Dilated cardiomyopathy 1G; Autosomal recessive limb-girdle muscular dystrophy type 2J. Last evaluated: 2025-02-12. Review status: criteria provided, single submitter. Criteria: Invitae Variant Classification Sherloc (09022015). Collection method: clinical testing. Allele origin: germline.
Comment: This sequence change creates a premature translational stop signal (p.Cys16195*) in the TTN gene. While this is not anticipated to result in nonsense mediated decay, it is expected to create a truncated TTN protein. This variant is not present in population databases (gnomAD no frequency). This premature translational stop signal has been observed in individual(s) with dilated cardiomyopathy (internal data). This variant is located in the A band of TTN (PMID: 25589632). Truncating variants in this region are significantly overrepresented in patients affected with dilated cardiomyopathy (PMID: 25589632). Truncating variants in this region have also been reported in individuals affected with autosomal recessive centronuclear myopathy (PMID: 23975875). In summary, the currently available evidence indicates that the variant is pathogenic, but additional data are needed to prove that conclusively. Therefore, this variant has been classified as Likely Pathogenic.

Literature cited by the submitters: PubMed 25589632; PubMed 23975875.